The following is an entry in ClinVar:

ClinVar aggregate classification (germline): Uncertain significance (1 of 4 stars; one submission).

Submission:

Labcorp Genetics (formerly Invitae), Labcorp
Classification: Uncertain significance. Last evaluated: 2022-09-07. Review status: criteria provided, single submitter. Criteria: Invitae Variant Classification Sherloc (09022015). Collection method: clinical testing. Allele origin: germline.
Comment: ClinVar contains an entry for this variant (Variation ID: 1516530). In summary, the available evidence is currently insufficient to determine the role of this variant in disease. Therefore, it has been classified as a Variant of Uncertain Significance. Variants that disrupt the consensus splice site are a relatively common cause of aberrant splicing (PMID: 17576681, 9536098). Algorithms developed to predict the effect of sequence changes on RNA splicing suggest that this variant may disrupt the consensus splice site. Algorithms developed to predict the effect of missense changes on protein structure and function are either unavailable or do not agree on the potential impact of this missense change (SIFT: "Not Available"; PolyPhen-2: "Probably Damaging"; Align-GVGD: "Not Available"). This variant has not been reported in the literature in individuals affected with UNC80-related conditions. This variant is not present in population databases (gnomAD no frequency). This sequence change replaces leucine with phenylalanine at codon 1932 of the UNC80 protein (p.Leu1932Phe). The leucine residue is moderately conserved and there is a small physicochemical difference between leucine and phenylalanine. This variant also falls at the last nucleotide of exon 37, which is part of the consensus splice site for this exon.

Literature cited by the submitters: PubMed 17576681; PubMed 9536098.

NM_001371986.1(UNC80):c.5994G>T (p.Leu1998Phe)

Gene: UNC80 (unc-80 subunit of NALCN channel complex; plus strand). Cytogenetic location: 2q34.
Variant type: single nucleotide variant.
Coding change: c.5994G>T on transcript NM_001371986.1 (MANE Select); coding-DNA position 5994, G replaced by T.
Protein change: p.Leu1998Phe; replaces leucine 1998 with phenylalanine.
Molecular consequence: missense variant.
Genome position (GRCh38, 1-based): chr2:209,931,054, G>T. VCF-style: chr2-209931054-G-T. GRCh37 (hg19) VCF-style: chr2-210795778-G-T.
Other names: c.5796G>T, p.Leu1932Phe (NM_032504.2); c.5781G>T, p.Leu1927Phe (NM_182587.4); short protein forms L1998F, L1932F, L1927F.
Identifiers: ClinVar variation 1516530 (VCV001516530.6), dbSNP rs2124965789, ClinGen allele CA350767615.